The following is an entry in ClinVar:

ClinVar aggregate classification (germline): Uncertain significance (1 of 4 stars; one submission).

gnomAD v4.1: 1 of 1,614,094 alleles (0.000062%); highest among the groups gnomAD compares: Non-Finnish European, 0.000085%; no homozygotes.

Submission:

GeneDx
Classification: Uncertain significance. Last evaluated: 2025-05-08. Review status: criteria provided, single submitter. Criteria: GeneDx Variant Classification Process June 2021. Collection method: clinical testing. Allele origin: germline. Affected: yes.
Comment: Not observed at significant frequency in large population cohorts (gnomAD); In silico analysis suggests that this missense variant does not alter protein structure/function; Has not been previously published as pathogenic or benign to our knowledge

NM_014991.6(WDFY3):c.7103A>G (p.Lys2368Arg)

Gene: WDFY3 (WD repeat and FYVE domain containing 3; minus strand). Cytogenetic location: 4q21.23.
Variant type: single nucleotide variant.
Coding change: c.7103A>G on transcript NM_014991.6 (MANE Select); coding-DNA position 7103, A replaced by G.
Protein change: p.Lys2368Arg; replaces lysine 2368 with arginine.
Molecular consequence: missense variant.
Genome position (GRCh38, 1-based): chr4:84,733,500, T>C on the plus strand (A>G on the coding strand, the complement: WDFY3 is on the minus strand). VCF-style: chr4-84733500-T-C. GRCh37 (hg19) VCF-style: chr4-85654653-T-C.
Other names: short protein forms K2368R.
Identifiers: ClinVar variation 4528227 (VCV004528227.1).
Genomic context (GRCh38, chr4:84,733,500, plus strand): 5'-TCATTTCGCACCATCTTTTTCCTCATCCTGCAGGGCCCTTCTGTCATCTCCAGCATCCAC[T>C]TGTCGAGGTGGGAGCCGATGGGAGGGCCCCACAGCCCCCGCTCCCTCAACAGCTCGCACT-3'
Protein context (NP_055806.2, residues 2358-2378): WGPPIGSHLD[Lys2368Arg]WMLEMTEGPC